The following is an entry in ClinVar:

NM_001735.3(C5):c.3068A>G (p.His1023Arg)

Gene: C5 (complement C5; minus strand). Cytogenetic location: 9q33.2.
Variant type: single nucleotide variant.
Coding change: c.3068A>G on transcript NM_001735.3 (MANE Select); coding-DNA position 3068, A replaced by G.
Protein change: p.His1023Arg; replaces histidine 1023 with arginine.
Molecular consequence: missense variant.
Genome position (GRCh38, 1-based): chr9:120,989,654, T>C on the plus strand (A>G on the coding strand, the complement: C5 is on the minus strand). VCF-style: chr9-120989654-T-C. GRCh37 (hg19) VCF-style: chr9-123751932-T-C.
Other names: c.3086A>G, p.His1029Arg (NM_001317163.2); c.3068A>G (NM_001735.2); short protein forms H1023R, H1029R.
Identifiers: ClinVar variation 1059514 (VCV001059514.6), dbSNP rs760863207, ClinGen allele CA5217581.

ClinVar aggregate classification (germline): Uncertain significance. Review status: criteria provided, multiple submitters, no conflicts (2 of 4 stars). 3 submissions from 3 submitters: Uncertain significance (3). Last evaluated 2024-01-03.

Conditions:
Eculizumab, poor response to. Identifiers: MedGen C3810402, OMIM 615749.
Complement component 5 deficiency. Also called: C5 DEFICIENCY. Identifiers: MedGen C0343047, MONDO:0012295, OMIM 609536.

Allele frequency attached by ClinVar (database versions not stated): ExAC 0.00002; gnomAD exomes 0.00004 and 0.00008; TOPMed 0.00004; gnomAD 0.00006.
gnomAD v4.1: 74 of 1,613,680 alleles (0.0046%); highest among the groups gnomAD compares: Non-Finnish European, 0.0035%; no homozygotes.

Submissions (3):

Ambry Genetics
Classification: Uncertain significance. Last evaluated: 2024-01-03. Review status: criteria provided, single submitter. Criteria: Ambry Variant Classification Scheme 2023. Collection method: clinical testing. Allele origin: germline.

Labcorp Genetics (formerly Invitae), Labcorp
Classification: Uncertain significance. Last evaluated: 2022-08-31. Review status: criteria provided, single submitter. Criteria: Invitae Variant Classification Sherloc (09022015). Collection method: clinical testing. Allele origin: germline.
Comment: This sequence change replaces histidine, which is basic and polar, with arginine, which is basic and polar, at codon 1023 of the C5 protein (p.His1023Arg). This variant is present in population databases (rs760863207, gnomAD 0.1%). This variant has not been reported in the literature in individuals affected with C5-related conditions. ClinVar contains an entry for this variant (Variation ID: 1059514). Algorithms developed to predict the effect of missense changes on protein structure and function (SIFT, PolyPhen-2, Align-GVGD) all suggest that this variant is likely to be tolerated. In summary, the available evidence is currently insufficient to determine the role of this variant in disease. Therefore, it has been classified as a Variant of Uncertain Significance.

Fulgent Genetics
Classification: Uncertain significance for Complement component 5 deficiency; Eculizumab, poor response to. Last evaluated: 2022-05-19. Review status: criteria provided, single submitter. Criteria: ACMG Guidelines, 2015. Collection method: clinical testing. Allele origin: unknown.